The following is an entry in ClinVar:

NM_194277.3(FRMD7):c.644G>A (p.Arg215Gln)

Gene: FRMD7 (FERM domain containing 7; minus strand). Cytogenetic location: Xq26.2.
Variant type: single nucleotide variant.
Coding change: c.644G>A on transcript NM_194277.3 (MANE Select); coding-DNA position 644, G replaced by A.
Protein change: p.Arg215Gln; replaces arginine 215 with glutamine.
Molecular consequence: missense variant.
Genome position (GRCh38, 1-based): chrX:132,085,582, C>T on the plus strand (G>A on the coding strand, the complement: FRMD7 is on the minus strand). VCF-style: chrX-132085582-C-T. GRCh37 (hg19) VCF-style: chrX-131219610-C-T.
Other names: c.599G>A, p.Arg200Gln (NM_001306193.2); short protein forms R200Q, R215Q.
Identifiers: ClinVar variation 1927739 (VCV001927739.11), dbSNP rs756275505, ClinGen allele CA10519004.
Genomic context (GRCh38, chrX:132,085,582, plus strand): 5'-TGAGCCAAGATAACCACCCCTCACTAAAGCTGAAGGGCTTGAAAGGAAAGAGATTTTACC[C>T]GTAACACCAGTACTCCCATGTGAGCAACAGCCAGGTGAATCTGCATCCCTTCACCATCAC-3'
Protein context (NP_919253.1, residues 205-225): AVAHMGVLVL[Arg215Gln]GNTKINTFNW

ClinVar aggregate classification (germline): Conflicting classifications of pathogenicity. Review status: criteria provided, conflicting classifications (1 of 4 stars). 4 submissions from 4 submitters: Uncertain significance (1); Benign (1); Likely benign (1). 1 of the submissions does not count toward it. Last evaluated 2025-12-31.

Conditions:
FRMD7-related disorder. Also called: FRMD7-related condition.
Inborn genetic diseases. Identifiers: MedGen C0950123, MeSH D030342.

Allele frequency attached by ClinVar (database versions not stated): gnomAD 0.00001; TOPMed 0.00001; gnomAD exomes 0.00006; ExAC 0.00010; 1000 Genomes Project 30x 0.00021; 1000 Genomes Project 0.00026.
gnomAD v4.1: 70 of 1,208,480 alleles (0.0058%); highest among the groups gnomAD compares: South Asian, 0.099%; no homozygotes.

Submissions (4):

Labcorp Genetics (formerly Invitae), Labcorp
Classification: Benign. Last evaluated: 2025-12-31. Review status: criteria provided, single submitter. Criteria: Invitae Variant Classification Sherloc (09022015). Collection method: clinical testing. Allele origin: germline.

Ambry Genetics
Classification: Uncertain significance for Inborn genetic diseases. Last evaluated: 2025-05-07. Review status: criteria provided, single submitter. Criteria: Ambry Variant Classification Scheme 2023. Collection method: clinical testing. Allele origin: germline.

Blueprint Genetics
Classification: Likely benign. Last evaluated: 2023-07-13. Review status: criteria provided, single submitter. Criteria: ACMG Guidelines, 2015. Collection method: clinical testing. Allele origin: germline.

PreventionGenetics, part of Exact Sciences
Classification: Likely benign for FRMD7-related condition. Last evaluated: 2023-03-13. Review status: no assertion criteria provided. Collection method: clinical testing. Allele origin: germline. Not counted in ClinVar's aggregate classification.
Comment: This variant is classified as likely benign based on ACMG/AMP sequence variant interpretation guidelines (Richards et al. 2015 PMID: 25741868, with internal and published modifications).